The following is an entry in ClinVar:

ClinVar aggregate classification (germline): Uncertain significance (1 of 4 stars; one submission).

Submission:

GeneDx
Classification: Uncertain significance. Last evaluated: 2026-02-26. Review status: criteria provided, single submitter. Criteria: GeneDx Variant Classification Process June 2021. Collection method: clinical testing. Allele origin: germline.
Comment: Not observed at significant frequency in large population cohorts (gnomAD); In silico analysis supports that this missense variant has a deleterious effect on protein structure/function; Has not been previously published as pathogenic or benign to our knowledge

NM_022552.5(DNMT3A):c.1073C>G (p.Thr358Arg)

Gene: DNMT3A (DNA methyltransferase 3 alpha; minus strand). Cytogenetic location: 2p23.3.
Variant type: single nucleotide variant.
Coding change: c.1073C>G on transcript NM_022552.5 (MANE Select); coding-DNA position 1073, C replaced by G.
Protein change: p.Thr358Arg; replaces threonine 358 with arginine.
Molecular consequence: missense variant. On other transcripts: non-coding transcript variant (1).
Genome position (GRCh38, 1-based): chr2:25,247,100, G>C on the plus strand (C>G on the coding strand, the complement: DNMT3A is on the minus strand). VCF-style: chr2-25247100-G-C. GRCh37 (hg19) VCF-style: chr2-25469969-G-C.
Other names: c.617C>G, p.Thr206Arg (NM_001320893.1); c.404C>G, p.Thr135Arg (NM_001375819.1); c.506C>G, p.Thr169Arg (NM_153759.3); c.1073C>G, p.Thr358Arg (NM_175629.2); short protein forms T358R, T135R, T206R, T169R.
Identifiers: ClinVar variation 5010043 (VCV005010043.1).